The following is an entry in ClinVar:

ClinVar aggregate classification (germline): Uncertain significance (1 of 4 stars; one submission).

Conditions:
Inborn genetic diseases. Identifiers: MedGen C0950123, MeSH D030342.

gnomAD v4.1: 1 of 1,565,130 alleles (0.000064%); highest among the groups gnomAD compares: Non-Finnish European, 0.000088%; no homozygotes.

Submission:

Ambry Genetics
Classification: Uncertain significance for Inborn genetic diseases. Last evaluated: 2024-08-19. Review status: criteria provided, single submitter. Criteria: Ambry Variant Classification Scheme 2023. Collection method: clinical testing. Allele origin: germline.
Comment: The p.A1244V variant (also known as c.3731C>T), located in coding exon 20 of the ATR gene, results from a C to T substitution at nucleotide position 3731. The alanine at codon 1244 is replaced by valine, an amino acid with similar properties. This amino acid position is conserved. In addition, this alteration is predicted to be tolerated by in silico analysis. Based on the available evidence, the clinical significance of this variant remains unclear.

NM_001184.4(ATR):c.3731C>T (p.Ala1244Val)

Gene: ATR (ATR serine/threonine kinase; minus strand). Cytogenetic location: 3q23.
Variant type: single nucleotide variant.
Coding change: c.3731C>T on transcript NM_001184.4 (MANE Select); coding-DNA position 3731, C replaced by T.
Protein change: p.Ala1244Val; replaces alanine 1244 with valine.
Molecular consequence: missense variant.
Genome position (GRCh38, 1-based): chr3:142,536,196, G>A on the plus strand (C>T on the coding strand, the complement: ATR is on the minus strand). VCF-style: chr3-142536196-G-A. GRCh37 (hg19) VCF-style: chr3-142255038-G-A.
Other names: c.3539C>T, p.Ala1180Val (NM_001354579.2); short protein forms A1180V, A1244V.
Identifiers: ClinVar variation 3461728 (VCV003461728.1).